The following is an entry in ClinVar:

ClinVar aggregate classification (germline): Uncertain significance (1 of 4 stars; one submission).

Allele frequency attached by ClinVar (database versions not stated): gnomAD 0.00001; TOPMed 0.00001; ESP Exome Variant Server 0.00008.
gnomAD v4.1: 2 of 1,613,894 alleles (0.00012%); highest among the groups gnomAD compares: East Asian, 0.0022%; no homozygotes.

Submission:

Ambry Genetics
Classification: Uncertain significance. Last evaluated: 2023-06-30. Review status: criteria provided, single submitter. Criteria: Ambry Variant Classification Scheme 2023. Collection method: clinical testing. Allele origin: germline.
Comment: The p.N25S variant (also known as c.74A>G), located in coding exon 1 of the BUB3 gene, results from an A to G substitution at nucleotide position 74. The asparagine at codon 25 is replaced by serine, an amino acid with highly similar properties. This amino acid position is conserved. In addition, this alteration is predicted to be tolerated by in silico analysis. Since supporting evidence is limited at this time, the clinical significance of this alteration remains unclear.

NM_004725.4(BUB3):c.74A>G (p.Asn25Ser)

Genes: BUB3 (BUB3 mitotic checkpoint protein; plus strand), LOC130004885 (ATAC-STARR-seq lymphoblastoid active region 4151; plus strand). Cytogenetic location: 10q26.13.
Variant type: single nucleotide variant.
Coding change: c.74A>G on transcript NM_004725.4 (MANE Select); coding-DNA position 74, A replaced by G.
Protein change: p.Asn25Ser; replaces asparagine 25 with serine.
Molecular consequence: missense variant.
Genome position (GRCh38, 1-based): chr10:123,154,991, A>G. VCF-style: chr10-123154991-A-G. GRCh37 (hg19) VCF-style: chr10-124914507-A-G.
Other names: c.74A>G, p.Asn25Ser (NM_001007793.3); short protein forms N25S.
Identifiers: ClinVar variation 2540231 (VCV002540231.2), dbSNP rs139142644, ClinGen allele CA215181089.